The following is an entry in ClinVar:

NM_000222.3(KIT):c.2781G>A (p.Gln927=)

Gene: KIT (KIT proto-oncogene, receptor tyrosine kinase; plus strand). Cytogenetic location: 4q12.
Variant type: single nucleotide variant.
Coding change: c.2781G>A on transcript NM_000222.3 (MANE Select); coding-DNA position 2781, G replaced by A.
Protein change: p.Gln927=; no amino-acid change (glutamine 927 retained).
Molecular consequence: synonymous variant.
Genome position (GRCh38, 1-based): chr4:54,737,259, G>A. VCF-style: chr4-54737259-G-A. GRCh37 (hg19) VCF-style: chr4-55603425-G-A.
Other names: c.2769G>A, p.Gln923= (NM_001093772.2, NM_001385292.1); c.2784G>A, p.Gln928= (NM_001385284.1); c.2778G>A, p.Gln926= (NM_001385285.1); c.2766G>A, p.Gln922= (NM_001385286.1); c.2772G>A, p.Gln924= (NM_001385288.1); c.2781G>A, p.Gln927= (NM_001385290.1).
Identifiers: ClinVar variation 1089384 (VCV001089384.12), dbSNP rs1263509542, ClinGen allele CA439292198.

ClinVar aggregate classification (germline): Benign/Likely benign. Review status: criteria provided, multiple submitters, no conflicts (2 of 4 stars). 3 submissions from 3 submitters: Benign (1); Likely benign (2). Last evaluated 2026-06-05.

Conditions:
Gastrointestinal stromal tumor. Also called: Gastrointestinal stroma tumor; Gastrointestinal stromal tumor, somatic. Identifiers: Orphanet 44890, MedGen C0238198, MeSH D046152, MONDO:0011719, OMIM 606764, HP:0100723.
Hereditary cancer-predisposing syndrome. Also called: Neoplastic Syndromes, Hereditary; Hereditary Cancer Syndrome; Hereditary neoplastic syndrome; Tumor predisposition. Identifiers: Orphanet 140162, MedGen C0027672, MeSH D009386, MONDO:0015356.

Allele frequency attached by ClinVar (database versions not stated): gnomAD 0.00001.
gnomAD v4.1: 2 of 1,612,338 alleles (0.00012%); highest among the groups gnomAD compares: Admixed American, 0.0017%; no homozygotes.

Submissions (3):

Myriad Genetics, Inc.
Classification: Benign for Gastrointestinal stromal tumor. Last evaluated: 2026-06-05. Review status: criteria provided, single submitter. Criteria: Myriad Autosomal Dominant, Autosomal Recessive and X-Linked Classification Criteria (2023). Collection method: clinical testing. Allele origin: unknown.
Comment: This variant is considered benign. This variant is a silent/synonymous amino acid change and it is not expected to impact splicing.

Labcorp Genetics (formerly Invitae), Labcorp
Classification: Likely benign for Gastrointestinal stromal tumor. Last evaluated: 2026-01-06. Review status: criteria provided, single submitter. Criteria: Invitae Variant Classification Sherloc (09022015). Collection method: clinical testing. Allele origin: germline.

Ambry Genetics
Classification: Likely benign for Hereditary cancer-predisposing syndrome. Last evaluated: 2020-12-10. Review status: criteria provided, single submitter. Criteria: Ambry Variant Classification Scheme 2023. Collection method: clinical testing. Allele origin: germline.